The following is an entry in ClinVar:

ClinVar aggregate classification (germline): Uncertain significance (1 of 4 stars; one submission).

Conditions:
Hereditary cancer-predisposing syndrome. Also called: Neoplastic Syndromes, Hereditary; Tumor predisposition; Hereditary neoplastic syndrome; Hereditary Cancer Syndrome. Identifiers: Orphanet 140162, MedGen C0027672, MeSH D009386, MONDO:0015356.

Submission:

Ambry Genetics
Classification: Uncertain significance for Hereditary cancer-predisposing syndrome. Last evaluated: 2026-07-02. Review status: criteria provided, single submitter. Criteria: Ambry Variant Classification Scheme 2023. Collection method: clinical testing. Allele origin: germline.
Comment: The p.E415K variant (also known as c.1243G>A), located in coding exon 5 of the AXIN2 gene, results from a G to A substitution at nucleotide position 1243. The glutamic acid at codon 415 is replaced by lysine, an amino acid with similar properties. This amino acid position is conserved. In addition, this alteration is predicted to be tolerated by in silico analysis. Based on the available evidence, the clinical significance of this variant remains unclear.

NM_004655.4(AXIN2):c.1243G>A (p.Glu415Lys)

Gene: AXIN2 (axin 2; minus strand). Cytogenetic location: 17q24.1.
Variant type: single nucleotide variant.
Coding change: c.1243G>A on transcript NM_004655.4 (MANE Select); coding-DNA position 1243, G replaced by A.
Protein change: p.Glu415Lys; replaces glutamic acid 415 with lysine.
Molecular consequence: missense variant.
Genome position (GRCh38, 1-based): chr17:65,537,793, C>T on the plus strand (G>A on the coding strand, the complement: AXIN2 is on the minus strand). VCF-style: chr17-65537793-C-T. GRCh37 (hg19) VCF-style: chr17-63533911-C-T.
Other names: c.1243G>A, p.Glu415Lys (NM_001363813.1); short protein forms E415K.
Identifiers: ClinVar variation 5032530 (VCV005032530.1).